The following is an entry in ClinVar:

ClinVar aggregate classification (germline): Uncertain significance (1 of 4 stars; one submission).

Conditions:
Cardiovascular phenotype. Identifiers: MedGen CN230736.

Submission:

Ambry Genetics
Classification: Uncertain significance for Cardiovascular phenotype. Last evaluated: 2023-07-29. Review status: criteria provided, single submitter. Criteria: Ambry Variant Classification Scheme 2023. Collection method: clinical testing. Allele origin: germline.
Comment: The p.I652N variant (also known as c.1955T>A), located in coding exon 11 of the JUP gene, results from a T to A substitution at nucleotide position 1955. The isoleucine at codon 652 is replaced by asparagine, an amino acid with dissimilar properties. This amino acid position is conserved. In addition, the in silico prediction for this alteration is inconclusive. Since supporting evidence is limited at this time, the clinical significance of this alteration remains unclear.

NM_002230.4(JUP):c.1955T>A (p.Ile652Asn)

Gene: JUP (junction plakoglobin; minus strand). Cytogenetic location: 17q21.2.
Variant type: single nucleotide variant.
Coding change: c.1955T>A on transcript NM_002230.4 (MANE Select); coding-DNA position 1955, T replaced by A.
Protein change: p.Ile652Asn; replaces isoleucine 652 with asparagine.
Molecular consequence: missense variant.
Genome position (GRCh38, 1-based): chr17:41,757,506, A>T on the plus strand (T>A on the coding strand, the complement: JUP is on the minus strand). VCF-style: chr17-41757506-A-T. GRCh37 (hg19) VCF-style: chr17-39913758-A-T.
Other names: c.1955T>A, p.Ile652Asn (NM_001352774.2, NM_001352775.2, NM_001352776.2 and 3 more transcripts); short protein forms I652N.
Identifiers: ClinVar variation 2625420 (VCV002625420.2), dbSNP rs2544033117, ClinGen allele CA399491932.